The following is an entry in ClinVar:

ClinVar aggregate classification (germline): Uncertain significance (1 of 4 stars; one submission).

Allele frequency attached by ClinVar (database versions not stated): gnomAD exomes below 0.00001; gnomAD 0.00001; TOPMed 0.00001.
gnomAD v4.1: 2 of 1,600,720 alleles (0.00012%); highest among the groups gnomAD compares: African/African-American, 0.0027%; no homozygotes.

Submission:

Labcorp Genetics (formerly Invitae), Labcorp
Classification: Uncertain significance. Last evaluated: 2024-01-25. Review status: criteria provided, single submitter. Criteria: Invitae Variant Classification Sherloc (09022015). Collection method: clinical testing. Allele origin: germline.
Comment: This sequence change replaces alanine, which is neutral and non-polar, with threonine, which is neutral and polar, at codon 50 of the ITGAM protein (p.Ala50Thr). The frequency data for this variant in the population databases is considered unreliable, as metrics indicate poor data quality at this position in the gnomAD database. This variant has not been reported in the literature in individuals affected with ITGAM-related conditions. An algorithm developed to predict the effect of missense changes on protein structure and function (PolyPhen-2) suggests that this variant is likely to be disruptive. In summary, the available evidence is currently insufficient to determine the role of this variant in disease. Therefore, it has been classified as a Variant of Uncertain Significance.

NM_000632.4(ITGAM):c.148G>A (p.Ala50Thr)

Genes: ITGAM (integrin subunit alpha M; plus strand), LOC126862331 (P300/CBP strongly-dependent group 1 enhancer GRCh37_chr16:31276375-31277574; plus strand). Cytogenetic location: 16p11.2.
Variant type: single nucleotide variant.
Coding change: c.148G>A on transcript NM_000632.4 (MANE Select); coding-DNA position 148, G replaced by A.
Protein change: p.Ala50Thr; replaces alanine 50 with threonine.
Molecular consequence: missense variant.
Genome position (GRCh38, 1-based): chr16:31,265,408, G>A. VCF-style: chr16-31265408-G-A. GRCh37 (hg19) VCF-style: chr16-31276729-G-A.
Other names: c.148G>A, p.Ala50Thr (NM_001145808.2); short protein forms A50T.
Identifiers: ClinVar variation 2806911 (VCV002806911.3), dbSNP rs1436302658, ClinGen allele CA395682488.